The following is an entry in ClinVar:

ClinVar aggregate classification (germline): Benign/Likely benign. Review status: criteria provided, multiple submitters, no conflicts (2 of 4 stars). 3 submissions from 3 submitters: Benign (1); Likely benign (1). 1 of the submissions does not count toward it. Last evaluated 2025-10-09.

Conditions:
RNF31-related disorder. Also called: RNF31-related condition.

Allele frequency attached by ClinVar (database versions not stated): gnomAD 0.00011 and 0.00016; ExAC 0.00035; gnomAD exomes 0.00039; TOPMed 0.00043; 1000 Genomes Project 30x 0.00062; 1000 Genomes Project 0.00080.
gnomAD v4.1: 169 of 1,611,086 alleles (0.01%); highest among the groups gnomAD compares: East Asian, 0.3%; no homozygotes.

Submissions (3):

Labcorp Genetics (formerly Invitae), Labcorp
Classification: Benign. Last evaluated: 2025-10-09. Review status: criteria provided, single submitter. Criteria: Invitae Variant Classification Sherloc (09022015). Collection method: clinical testing. Allele origin: germline.

Blueprint Genetics
Classification: Likely benign. Last evaluated: 2024-10-03. Review status: criteria provided, single submitter. Criteria: ACMG Guidelines, 2015. Collection method: clinical testing. Allele origin: germline.

PreventionGenetics, part of Exact Sciences
Classification: Likely benign for RNF31-related condition. Last evaluated: 2019-04-01. Review status: no assertion criteria provided. Collection method: clinical testing. Allele origin: germline. Not counted in ClinVar's aggregate classification.
Comment: This variant is classified as likely benign based on ACMG/AMP sequence variant interpretation guidelines (Richards et al. 2015 PMID: 25741868, with internal and published modifications).

NM_017999.5(RNF31):c.1911G>T (p.Gly637=)

Gene: RNF31 (ring finger protein 31; plus strand). Cytogenetic location: 14q12.
Variant type: single nucleotide variant.
Coding change: c.1911G>T on transcript NM_017999.5 (MANE Select); coding-DNA position 1911, G replaced by T.
Protein change: p.Gly637=; no amino-acid change (glycine 637 retained).
Molecular consequence: synonymous variant.
Genome position (GRCh38, 1-based): chr14:24,151,658, G>T. VCF-style: chr14-24151658-G-T. GRCh37 (hg19) VCF-style: chr14-24620867-G-T.
Other names: c.1458G>T, p.Gly486= (NM_001310332.2).
Identifiers: ClinVar variation 796271 (VCV000796271.12), dbSNP rs187060127, ClinGen allele CA7125912.
Genomic context (GRCh38, chr14:24,151,658, plus strand): 5'-AGAGCCCTTCCGCCAGCGCCTCTGGGACAGTGGCCCTGAGCCCACCCCTTCCTGGGATGG[G>T]CCAGACAAGCAGGTGCTGGGAGGAGGCAAGAAGCCCAAGGGTCCACCTAGAGGAGCAAGA-3'
Protein context (NP_060469.4, residues 627-647): SGPEPTPSWD[Gly637=]PDKQSLVRRL